The following is an entry in ClinVar:

NM_000719.7(CACNA1C):c.5177G>A (p.Arg1726His)

Genes: CACNA1C (calcium voltage-gated channel subunit alpha1 C; plus strand), CACNA1C-AS1 (CACNA1C antisense RNA 1; minus strand). Cytogenetic location: 12p13.33.
Variant type: single nucleotide variant.
Coding change: c.5177G>A on transcript NM_000719.7 (MANE Select); coding-DNA position 5177, G replaced by A.
Protein change: p.Arg1726His; replaces arginine 1726 with histidine.
Molecular consequence: missense variant.
Genome position (GRCh38, 1-based): chr12:2,679,529, G>A. VCF-style: chr12-2679529-G-A. GRCh37 (hg19) VCF-style: chr12-2788695-G-A.
Other names: c.5321G>A, p.Arg1774His (NM_001129827.2, NM_199460.4); c.5300G>A, p.Arg1767His (NM_001129829.2); c.5177G>A, p.Arg1726His (NM_001129830.3, NM_001129840.2, NM_001129841.2 and 4 more transcripts); c.5261G>A, p.Arg1754His (NM_001129831.2); c.5237G>A, p.Arg1746His (NM_001129832.2); c.5234G>A, p.Arg1745His (NM_001129833.2, NM_001129834.2, NM_001129835.2); c.5228G>A, p.Arg1743His (NM_001129836.2); c.5201G>A, p.Arg1734His (NM_001129837.2, NM_001129838.2); and 3 more; short protein forms R1715H, R1723H, R1726H, R1732H, R1734H, R1743H, R1745H, R1746H.
Identifiers: ClinVar variation 1198139 (VCV001198139.4), dbSNP rs377564636, ClinGen allele CA6389726.

ClinVar aggregate classification (germline): Uncertain significance. Review status: criteria provided, multiple submitters, no conflicts (2 of 4 stars). 2 submissions from 2 submitters: Uncertain significance (2). Last evaluated 2024-12-17.

Conditions:
Long QT syndrome (LQTS). Identifiers: MedGen C0023976, MeSH D008133, MONDO:0002442. Disease mechanism: loss of function. Inheritance: Various modes of inheritance.

Allele frequency attached by ClinVar (database versions not stated): gnomAD exomes below 0.00001 and 0.00001; ExAC 0.00001; gnomAD 0.00001; TOPMed 0.00001; ESP Exome Variant Server 0.00008.
gnomAD v4.1: 11 of 1,612,504 alleles (0.00068%); highest among the groups gnomAD compares: East Asian, 0.0022%; no homozygotes.

Submissions (2):

Labcorp Genetics (formerly Invitae), Labcorp
Classification: Uncertain significance for Long QT syndrome. Last evaluated: 2024-12-17. Review status: criteria provided, single submitter. Criteria: Invitae Variant Classification Sherloc (09022015). Collection method: clinical testing. Allele origin: germline.
Comment: This sequence change replaces arginine, which is basic and polar, with histidine, which is basic and polar, at codon 1726 of the CACNA1C protein (p.Arg1726His). The frequency data for this variant in the population databases is considered unreliable, as metrics indicate poor data quality at this position in the gnomAD database. This variant has not been reported in the literature in individuals affected with CACNA1C-related conditions. ClinVar contains an entry for this variant (Variation ID: 1198139). Invitae Evidence Modeling of protein sequence and biophysical properties (such as structural, functional, and spatial information, amino acid conservation, physicochemical variation, residue mobility, and thermodynamic stability) indicates that this missense variant is not expected to disrupt CACNA1C protein function with a negative predictive value of 80%. In summary, the available evidence is currently insufficient to determine the role of this variant in disease. Therefore, it has been classified as a Variant of Uncertain Significance.

GeneDx
Classification: Uncertain significance. Last evaluated: 2020-01-16. Review status: criteria provided, single submitter. Criteria: GeneDx Variant Classification Process June 2021. Collection method: clinical testing. Allele origin: germline. Affected: yes.
Comment: Not observed at a significant frequency in large population cohorts (Lek et al., 2016); In silico analysis, which includes protein predictors and evolutionary conservation, supports a deleterious effect; Has not been previously published as pathogenic or benign to our knowledge